The following is an entry in ClinVar:

ClinVar aggregate classification (germline): Uncertain significance. Review status: criteria provided, multiple submitters, no conflicts (2 of 4 stars). 2 submissions from 2 submitters: Uncertain significance (2). Last evaluated 2024-08-07.

Conditions:
Pheochromocytoma. Also called: MAX-Related Hereditary Paraganglioma-Pheochromocytoma Syndrome. Identifiers: Orphanet 29072, MedGen C0031511, MONDO:0008233, OMIM 171300, HP:0002666.
Gastrointestinal stromal tumor. Also called: Gastrointestinal stromal tumor, somatic; Gastrointestinal stroma tumor. Identifiers: Orphanet 44890, MedGen C0238198, MeSH D046152, MONDO:0011719, OMIM 606764, HP:0100723.
Pheochromocytoma/paraganglioma syndrome 4. Also called: CAROTID BODY TUMORS AND MULTIPLE EXTRAADRENAL PHEOCHROMOCYTOMAS; PARAGANGLIOMA, FAMILIAL MALIGNANT; PARAGANGLIOMAS, HEREDITARY EXTRAADRENAL; PHEOCHROMOCYTOMA, FAMILIAL EXTRAADRENAL; Paragangliomas 4; SDHB-Related Hereditary Paraganglioma-Pheochromocytoma Syndrome (Paragangliomas 4). Identifiers: Orphanet 29072, MedGen C1861848, MONDO:0007273, OMIM 115310.
Hereditary cancer-predisposing syndrome. Also called: Neoplastic Syndromes, Hereditary; Hereditary neoplastic syndrome; Tumor predisposition; Hereditary Cancer Syndrome. Identifiers: Orphanet 140162, MedGen C0027672, MeSH D009386, MONDO:0015356.

Submissions (2):

Labcorp Genetics (formerly Invitae), Labcorp
Classification: Uncertain significance for Gastrointestinal stromal tumor; Pheochromocytoma/paraganglioma syndrome 4; Pheochromocytoma. Last evaluated: 2024-08-07. Review status: criteria provided, single submitter. Criteria: Invitae Variant Classification Sherloc (09022015). Collection method: clinical testing. Allele origin: germline.
Comment: This sequence change replaces lysine, which is basic and polar, with methionine, which is neutral and non-polar, at codon 78 of the SDHB protein (p.Lys78Met). This variant is not present in population databases (gnomAD no frequency). This variant has not been reported in the literature in individuals affected with SDHB-related conditions. Advanced modeling of protein sequence and biophysical properties (such as structural, functional, and spatial information, amino acid conservation, physicochemical variation, residue mobility, and thermodynamic stability) performed at Invitae indicates that this missense variant is not expected to disrupt SDHB protein function with a negative predictive value of 80%. In summary, the available evidence is currently insufficient to determine the role of this variant in disease. Therefore, it has been classified as a Variant of Uncertain Significance.

Ambry Genetics
Classification: Uncertain significance for Hereditary cancer-predisposing syndrome. Last evaluated: 2024-07-09. Review status: criteria provided, single submitter. Criteria: Ambry Variant Classification Scheme 2023. Collection method: clinical testing. Allele origin: germline.
Comment: The p.K78M variant (also known as c.233A>T), located in coding exon 3 of the SDHB gene, results from an A to T substitution at nucleotide position 233. The lysine at codon 78 is replaced by methionine, an amino acid with similar properties. This amino acid position is conserved. In addition, this alteration is predicted to be deleterious by in silico analysis. Based on the available evidence, the clinical significance of this variant remains unclear.

NM_003000.3(SDHB):c.233A>T (p.Lys78Met)

Gene: SDHB (succinate dehydrogenase complex iron sulfur subunit B; minus strand). Cytogenetic location: 1p36.13.
Variant type: single nucleotide variant.
Coding change: c.233A>T on transcript NM_003000.3 (MANE Select); coding-DNA position 233, A replaced by T.
Protein change: p.Lys78Met; replaces lysine 78 with methionine.
Molecular consequence: missense variant.
Genome position (GRCh38, 1-based): chr1:17,033,113, T>A on the plus strand (A>T on the coding strand, the complement: SDHB is on the minus strand). VCF-style: chr1-17033113-T-A. GRCh37 (hg19) VCF-style: chr1-17359608-T-A.
Other names: c.233A>T, p.Lys78Met (NM_001407361.1); short protein forms K78M.
Identifiers: ClinVar variation 2951656 (VCV002951656.4), dbSNP rs774960237, ClinGen allele CA338276578.
Genomic context (GRCh38, chr1:17,033,113, plus strand): 5'-TGCTCACCTTCTCTGCATGATCTTCGGAAGGTCAAAGTAGAGTCAACTTCATTCTTAATC[T>A]TGATTAAAGCATCCAATACCATGGGGCCACATCTAACAAAGAAAAATATCCAGTGGTATT-3'
Protein context (NP_002991.2, residues 68-88): CGPMVLDALI[Lys78Met]IKNEVDSTLT